The following is an entry in ClinVar:

NM_033004.4(NLRP1):c.2996A>G (p.Asp999Gly)

Gene: NLRP1 (NLR family pyrin domain containing 1; minus strand). Cytogenetic location: 17p13.2.
Variant type: single nucleotide variant.
Coding change: c.2996A>G on transcript NM_033004.4 (MANE Select); coding-DNA position 2996, A replaced by G.
Protein change: p.Asp999Gly; replaces aspartic acid 999 with glycine.
Molecular consequence: missense variant.
Genome position (GRCh38, 1-based): chr17:5,533,953, T>C on the plus strand (A>G on the coding strand, the complement: NLRP1 is on the minus strand). VCF-style: chr17-5533953-T-C. GRCh37 (hg19) VCF-style: chr17-5437273-T-C.
Other names: c.2996A>G, p.Asp999Gly (NM_001033053.3, NM_014922.5); c.2906A>G, p.Asp969Gly (NM_033006.4, NM_033007.4); c.2996A>G (NM_033004.3); short protein forms D999G, D969G.
Identifiers: ClinVar variation 3015417 (VCV003015417.4), dbSNP rs202125502, ClinGen allele CA8326968.

ClinVar aggregate classification (germline): Conflicting classifications of pathogenicity. Review status: criteria provided, conflicting classifications (1 of 4 stars). 2 submissions from 2 submitters: Uncertain significance (1); Likely benign (1). Last evaluated 2025-09-22.

Conditions:
Inborn genetic diseases. Identifiers: MedGen C0950123, MeSH D030342.

Allele frequency attached by ClinVar (database versions not stated): ExAC 0.00001; gnomAD 0.00002; gnomAD exomes 0.00004.
gnomAD v4.1: 64 of 1,613,468 alleles (0.004%); highest among the groups gnomAD compares: Non-Finnish European, 0.0053%; no homozygotes.

Submissions (2):

Labcorp Genetics (formerly Invitae), Labcorp
Classification: Uncertain significance. Last evaluated: 2025-09-22. Review status: criteria provided, single submitter. Criteria: Invitae Variant Classification Sherloc (09022015). Collection method: clinical testing. Allele origin: germline.
Comment: This sequence change replaces aspartic acid, which is acidic and polar, with glycine, which is neutral and non-polar, at codon 999 of the NLRP1 protein (p.Asp999Gly). The frequency data for this variant in the population databases is considered unreliable, as metrics indicate poor data quality at this position in the gnomAD database. This variant has not been reported in the literature in individuals affected with NLRP1-related conditions. ClinVar contains an entry for this variant (Variation ID: 3015417). An algorithm developed to predict the effect of missense changes on protein structure and function outputs the following: PolyPhen-2: "Benign". The glycine amino acid residue is found in multiple mammalian species, which suggests that this missense change does not adversely affect protein function. Algorithms developed to predict the effect of sequence changes on RNA splicing suggest that this variant may disrupt the consensus splice site. In summary, the available evidence is currently insufficient to determine the role of this variant in disease. Therefore, it has been classified as a Variant of Uncertain Significance.

Ambry Genetics
Classification: Likely benign for Inborn genetic diseases. Last evaluated: 2024-11-14. Review status: criteria provided, single submitter. Criteria: Ambry Variant Classification Scheme 2023. Collection method: clinical testing. Allele origin: germline.